The following is an entry in ClinVar:

NM_001378452.1(ITPR1):c.5277G>A (p.Ser1759=)

Gene: ITPR1 (inositol 1,4,5-trisphosphate receptor type 1; plus strand). Cytogenetic location: 3p26.1.
Variant type: single nucleotide variant.
Coding change: c.5277G>A on transcript NM_001378452.1 (MANE Select); coding-DNA position 5277, G replaced by A.
Protein change: p.Ser1759=; no amino-acid change (serine 1759 retained).
Molecular consequence: synonymous variant.
Genome position (GRCh38, 1-based): chr3:4,733,144, G>A. VCF-style: chr3-4733144-G-A. GRCh37 (hg19) VCF-style: chr3-4774828-G-A.
Other names: p.Ser1696=; c.5088G>A (NM_002222.6); c.5133G>A, p.Ser1711= (NM_001099952.4); c.5232G>A, p.Ser1744= (NM_001168272.2); c.5088G>A, p.Ser1696= (NM_002222.7).
Identifiers: ClinVar variation 746448 (VCV000746448.15), dbSNP rs368425885, ClinGen allele CA2232272.

ClinVar aggregate classification (germline): Benign/Likely benign. Review status: criteria provided, multiple submitters, no conflicts (2 of 4 stars). 7 submissions from 7 submitters: Benign (1); Likely benign (6). Last evaluated 2026-07-01.

Allele frequency attached by ClinVar (database versions not stated): gnomAD exomes 0.00006; ESP Exome Variant Server 0.00008; ExAC 0.00009; TOPMed 0.00036; gnomAD 0.00054.
gnomAD v4.1: 113 of 1,613,758 alleles (0.007%); highest among the groups gnomAD compares: African/African-American, 0.12%; no homozygotes.

Submissions (7):

CeGaT Center for Human Genetics Tuebingen
Classification: Likely benign. Last evaluated: 2026-07-01. Review status: criteria provided, single submitter. Criteria: CeGaT Center For Human Genetics Tuebingen Variant Classification Criteria Version 2. Collection method: clinical testing. Allele origin: germline. Affected: yes. Observed: 1 variant allele.
Comment: ITPR1: BP4, BP7

Women's Health and Genetics/Laboratory Corporation of America, LabCorp
Classification: Likely benign. Last evaluated: 2026-06-01. Review status: criteria provided, single submitter. Criteria: LabCorp Variant Classification Summary - May 2015. Collection method: clinical testing. Allele origin: germline.

Mayo Clinic Laboratories, Mayo Clinic
Classification: Likely benign. Last evaluated: 2025-12-11. Review status: criteria provided, single submitter. Criteria: ACMG Guidelines, 2015. Collection method: clinical testing. Allele origin: germline. Observed: 1 variant allele.
Comment: BS1, BP4, BP7

Labcorp Genetics (formerly Invitae), Labcorp
Classification: Likely benign. Last evaluated: 2025-01-20. Review status: criteria provided, single submitter. Criteria: Invitae Variant Classification Sherloc (09022015). Collection method: clinical testing. Allele origin: germline.

Athena Diagnostics
Classification: Benign. Last evaluated: 2024-02-01. Review status: criteria provided, single submitter. Criteria: Athena Diagnostics Criteria. Collection method: clinical testing. Allele origin: unknown.

Blueprint Genetics
Classification: Likely benign. Last evaluated: 2023-12-14. Review status: criteria provided, single submitter. Criteria: ACMG Guidelines, 2015. Collection method: clinical testing. Allele origin: germline.

GeneDx
Classification: Likely benign. Last evaluated: 2020-12-15. Review status: criteria provided, single submitter. Criteria: GeneDx Variant Classification Process June 2021. Collection method: clinical testing. Allele origin: germline. Affected: yes.